The following is an entry in ClinVar:

ClinVar aggregate classification (germline): Uncertain significance (1 of 4 stars; one submission).

Conditions:
KBG syndrome (KBGS). Also called: ANKRD11-Related KBG Syndrome. Identifiers: Orphanet 2332, MedGen C0220687, MONDO:0007846, OMIM 148050.

Allele frequency attached by ClinVar (database versions not stated): TOPMed 0.00001.
gnomAD v4.1: 23 of 1,613,578 alleles (0.0014%); highest among the groups gnomAD compares: Non-Finnish European, 0.0019%; no homozygotes.

Submission:

Labcorp Genetics (formerly Invitae), Labcorp
Classification: Uncertain significance for KBG syndrome. Last evaluated: 2024-03-12. Review status: criteria provided, single submitter. Criteria: Invitae Variant Classification Sherloc (09022015). Collection method: clinical testing. Allele origin: germline.
Comment: This sequence change replaces arginine, which is basic and polar, with glutamine, which is neutral and polar, at codon 1188 of the ANKRD11 protein (p.Arg1188Gln). This variant is present in population databases (rs182013418, gnomAD 0.0009%). This variant has not been reported in the literature in individuals affected with ANKRD11-related conditions. Advanced modeling of protein sequence and biophysical properties (such as structural, functional, and spatial information, amino acid conservation, physicochemical variation, residue mobility, and thermodynamic stability) performed at Invitae indicates that this missense variant is not expected to disrupt ANKRD11 protein function with a negative predictive value of 95%. In summary, the available evidence is currently insufficient to determine the role of this variant in disease. Therefore, it has been classified as a Variant of Uncertain Significance.

NM_013275.6(ANKRD11):c.3563G>A (p.Arg1188Gln)

Gene: ANKRD11 (ankyrin repeat domain 11; minus strand). Cytogenetic location: 16q24.3.
Variant type: single nucleotide variant.
Coding change: c.3563G>A on transcript NM_013275.6 (MANE Select); coding-DNA position 3563, G replaced by A.
Protein change: p.Arg1188Gln; replaces arginine 1188 with glutamine.
Molecular consequence: missense variant.
Genome position (GRCh38, 1-based): chr16:89,282,979, C>T on the plus strand (G>A on the coding strand, the complement: ANKRD11 is on the minus strand). VCF-style: chr16-89282979-C-T. GRCh37 (hg19) VCF-style: chr16-89349387-C-T.
Other names: c.3563G>A, p.Arg1188Gln (NM_001256182.2, NM_001256183.2); short protein forms R1188Q.
Identifiers: ClinVar variation 2996074 (VCV002996074.3), dbSNP rs182013418, ClinGen allele CA8242337.